The following is an entry in ClinVar:

NM_003153.5(STAT6):c.1259A>G (p.Asn420Ser)

Gene: STAT6 (signal transducer and activator of transcription 6; minus strand). Cytogenetic location: 12q13.3.
Variant type: single nucleotide variant.
Coding change: c.1259A>G on transcript NM_003153.5 (MANE Select); coding-DNA position 1259, A replaced by G.
Protein change: p.Asn420Ser; replaces asparagine 420 with serine.
Molecular consequence: missense variant. On other transcripts: non-coding transcript variant (1).
Genome position (GRCh38, 1-based): chr12:57,102,875, T>C on the plus strand (A>G on the coding strand, the complement: STAT6 is on the minus strand). VCF-style: chr12-57102875-T-C. GRCh37 (hg19) VCF-style: chr12-57496658-T-C.
Other names: c.1259A>G, p.Asn420Ser (NM_001178078.2, NM_001178079.2); c.929A>G, p.Asn310Ser (NM_001178080.2, NM_001178081.2); short protein forms N310S, N420S.
Identifiers: ClinVar variation 3389867 (VCV003389867.14).
Genomic context (GRCh38, chr12:57,102,875, plus strand): 5'-AGGACTTTCCTCACCATCTCAGAGAAGGCATTGTCCCACAGGATAGTGGCTTTGGCATTG[T>C]TGTCTTGGTTGCCATGGACGATGACCACCAGGGGCAGAGACAGGGCCTGAAGAGGGTGAG-3'
Protein context (NP_003144.3, residues 410-430): LVVIVHGNQD[Asn420Ser]NAKATILWDN

ClinVar aggregate classification (germline): Uncertain significance (1 of 4 stars; one submission).

Submission:

CeGaT Center for Human Genetics Tuebingen
Classification: Uncertain significance. Last evaluated: 2024-10-01. Review status: criteria provided, single submitter. Criteria: CeGaT Center For Human Genetics Tuebingen Variant Classification Criteria Version 2. Collection method: clinical testing. Allele origin: germline. Affected: yes. Observed: 1 variant allele.
Comment: STAT6: PM2